The following is an entry in ClinVar:

NM_007294.4(BRCA1):c.2719_2722del (p.Glu907fs)

Gene: BRCA1 (BRCA1 DNA repair associated; minus strand). Cytogenetic location: 17q21.31.
Variant type: Deletion.
Coding change: c.2719_2722del on transcript NM_007294.4 (MANE Select); coding-DNA positions 2719 to 2722, 4 bases deleted (GAAG; older notation c.2719_2722delGAAG).
Protein change: p.Glu907fs; shifts the reading frame from glutamic acid 907.
Molecular consequence: frameshift variant. On other transcripts: intron variant (137).
Genome position (GRCh38, 1-based): chr17:43,092,809-43,092,812, CTTC deleted on the plus strand (GAAG on the coding strand, the reverse complement: BRCA1 is on the minus strand); deleting any 4 consecutive bases within chr17:43,092,809-43,092,815 gives the same sequence; the c. name uses the placement nearest the transcript's 3' end. VCF-style (leftmost placement, unchanged base first): chr17-43092808-TCTTC-T. GRCh37 (hg19) VCF-style: chr17-41244825-TCTTC-T.
Other names: 2838del4; c.2719_2722delGAAG (NM_007294.3); c.2716_2719del, p.Glu906fs (NM_001407610.1, NM_001407611.1, NM_001407612.1 and 22 more transcripts); c.2719_2722del, p.Glu907fs (NM_001407616.1, NM_001407617.1, NM_001407618.1 and 30 more transcripts); c.2710_2713del, p.Glu904fs (NM_001407646.1, NM_001407647.1); c.2596_2599del, p.Glu866fs (NM_001407648.1, NM_001407664.1, NM_001407665.1 and 19 more transcripts); c.2593_2596del, p.Glu865fs (NM_001407649.1, NM_001407670.1, NM_001407671.1 and 11 more transcripts); c.2641_2644del, p.Glu881fs (NM_001407653.1, NM_001407654.1, NM_001407655.1 and 4 more transcripts); and 43 more; short protein forms E860fs, E907fs, E880fs, E780fs, E795fs, E837fs, E904fs, E611fs.
Identifiers: ClinVar variation 54656 (VCV000054656.24), dbSNP rs80357731, ClinGen allele CA001789.

ClinVar aggregate classification (germline): Pathogenic. Review status: reviewed by expert panel (3 of 4 stars). 11 submissions from 11 submitters: Pathogenic (1). 10 of the submissions do not count toward it. Last evaluated 2016-09-08.

Conditions:
Hereditary cancer-predisposing syndrome. Also called: Tumor predisposition; Neoplastic Syndromes, Hereditary; Hereditary Cancer Syndrome; Hereditary neoplastic syndrome. Identifiers: Orphanet 140162, MedGen C0027672, MeSH D009386, MONDO:0015356.
Hereditary breast ovarian cancer syndrome. Also called: Hereditary breast and ovarian cancer syndrome (HBOC); Hereditary breast and ovarian cancer syndrome; Hereditary breast and ovarian cancer; Hereditary breast and/or ovarian cancer syndrome; Breast and ovarian cancer; BRCA1- and BRCA2-Associated Hereditary Breast and Ovarian Cancer. Identifiers: Orphanet 145, MedGen C0677776, MeSH D061325, MONDO:0003582. Disease mechanism: loss of function.
Breast-ovarian cancer, familial, susceptibility to, 1 (BROVCA1). Also called: OVARIAN CANCER, SUSCEPTIBILITY TO; BRCA1 Hereditary Breast and Ovarian Cancer. Identifiers: Orphanet 145, MedGen C2676676, MONDO:0011450, OMIM 604370. Disease mechanism: loss of function.

Submissions (11):

Evidence-based Network for the Interpretation of Germline Mutant Alleles (ENIGMA)
Classification: Pathogenic for Breast-ovarian cancer, familial, susceptibility to, 1. Last evaluated: 2016-09-08. Review status: reviewed by expert panel. Criteria: ENIGMA BRCA1/2 Classification Criteria (2015). Collection method: curation. Allele origin: germline.
Comment: Variant allele predicted to encode a truncated non-functional protein.

Labcorp Genetics (formerly Invitae), Labcorp
Classification: Pathogenic for Hereditary breast ovarian cancer syndrome. Last evaluated: 2025-07-01. Review status: criteria provided, single submitter. Criteria: Invitae Variant Classification Sherloc (09022015). Collection method: clinical testing. Allele origin: germline. Not counted in ClinVar's aggregate classification.
Comment: This sequence change creates a premature translational stop signal (p.Glu907Lysfs*92) in the BRCA1 gene. It is expected to result in an absent or disrupted protein product. Loss-of-function variants in BRCA1 are known to be pathogenic (PMID: 20104584). This variant is not present in population databases (gnomAD no frequency). This premature translational stop signal has been observed in individual(s) with ovarian cancer (PMID: 17148771, 21324516, 22430266). This variant is also known as 2838del4 or 2838delGAAG. ClinVar contains an entry for this variant (Variation ID: 54656). For these reasons, this variant has been classified as Pathogenic.

GeneDx
Classification: Pathogenic. Last evaluated: 2024-01-25. Review status: criteria provided, single submitter. Criteria: GeneDx Variant Classification Process June 2021. Collection method: clinical testing. Allele origin: germline. Affected: yes. Not counted in ClinVar's aggregate classification.
Comment: Frameshift variant predicted to result in protein truncation or nonsense mediated decay in a gene for which loss of function is a known mechanism of disease; Not observed at significant frequency in large population cohorts (gnomAD); Truncating variants in this gene are considered pathogenic by a well-established clinical consortium and/or database; Also known as 2838_2841del; This variant is associated with the following publications: (PMID: 17148771, 22430266, 21324516, 29446198, 35798629, 16267036)

Ambry Genetics
Classification: Pathogenic for Hereditary cancer-predisposing syndrome. Last evaluated: 2024-01-02. Review status: criteria provided, single submitter. Criteria: Ambry Variant Classification Scheme 2023. Collection method: clinical testing. Allele origin: germline. Not counted in ClinVar's aggregate classification.
Comment: The c.2719_2722delGAAG pathogenic mutation, located in coding exon 9 of the BRCA1 gene, results from a deletion of 4 nucleotides from nucleotide positions 2719 to 2722, causing a translational frameshift with a predicted alternate stop codon (p.E907Kfs*92). In a large study of breast and/or ovarian cancer risks in the Ashkenazi Jewish population, this alteration was reported in at least one female (Finkelman BS et al. J. Clin. Oncol. 2012 Apr; 30(12):1321-8). Of note, this mutation is also designated as 2838del4 in published literature. In addition to the clinical data presented in the literature, this alteration is expected to result in loss of function by premature protein truncation or nonsense-mediated mRNA decay. As such, this alteration is interpreted as a disease-causing mutation.

Color Diagnostics, LLC DBA Color Health
Classification: Pathogenic for Hereditary cancer-predisposing syndrome. Last evaluated: 2020-12-29. Review status: criteria provided, single submitter. Criteria: ACMG Guidelines, 2015. Collection method: clinical testing. Allele origin: germline. Not counted in ClinVar's aggregate classification.
Comment: This variant deletes 4 nucleotides in exon 10 of the BRCA1 gene, creating a frameshift and premature translation stop signal. This variant is expected to result in an absent or non-functional protein product. To our knowledge, functional studies have not been reported for this variant. This variant has been observed in an individual affected with ovarian cancer (PMID: 17148771, 21324516) and multiple suspected hereditary breast and ovarian cancer families (PMID: 22430266, 29446198). This variant has not been identified in the general population by the Genome Aggregation Database (gnomAD). Loss of BRCA1 function is a known mechanism of disease. Based on the available evidence, this variant is classified as Pathogenic.

Women's Health and Genetics/Laboratory Corporation of America, LabCorp
Classification: Pathogenic for Hereditary breast and ovarian cancer syndrome. Last evaluated: 2019-08-21. Review status: criteria provided, single submitter. Criteria: LabCorp Variant Classification Summary - May 2015. Collection method: clinical testing. Allele origin: germline. Not counted in ClinVar's aggregate classification.
Comment: Variant summary: BRCA1 c.2719_2722delGAAG (p.Glu907LysfsX92) results in a premature termination codon, predicted to cause a truncation of the encoded protein or absence of the protein due to nonsense mediated decay, which are commonly known mechanisms for disease. The variant was absent in 250780 control chromosomes (gnomAD). c.2719_2722delGAAG has been reported in the literature in individuals affected with Breast and/Ovarian Cancer (e.g. Judkins_2005, Risch_2006, Rebbeck_2018). These data indicate that the variant is likely to be associated with disease. To our knowledge, no experimental evidence demonstrating an impact on protein function has been reported. Six ClinVar submissions (evaluation after 2014) including an expert panel, ENIGMA, cites the variant as pathogenic. Based on the evidence outlined above, the variant was classified as pathogenic.

Quest Diagnostics Nichols Institute San Juan Capistrano
Classification: Pathogenic. Last evaluated: 2017-04-18. Review status: criteria provided, single submitter. Criteria: Quest Diagnostics criteria. Collection method: clinical testing. Allele origin: germline. Not counted in ClinVar's aggregate classification.

Consortium of Investigators of Modifiers of BRCA1/2 (CIMBA), c/o University of Cambridge
Classification: Pathogenic for Breast-ovarian cancer, familial, susceptibility to, 1. Last evaluated: 2015-10-02. Review status: criteria provided, single submitter. Criteria: CIMBA Mutation Classification guidelines May 2016. Collection method: clinical testing. Allele origin: germline. Not counted in ClinVar's aggregate classification.

Research Molecular Genetics Laboratory, Women's College Hospital, University of Toronto
Classification: Pathogenic for Hereditary breast ovarian cancer syndrome. Last evaluated: 2014-01-31. Review status: no assertion criteria provided. Collection method: research. Allele origin: germline. Affected: yes. Study: The Canadian Open Genetics Repository (COGR). Not counted in ClinVar's aggregate classification.

Sharing Clinical Reports Project (SCRP)
Classification: Pathogenic for Breast-ovarian cancer, familial 1. Last evaluated: 2012-02-27. Review status: no assertion criteria provided. Collection method: clinical testing. Allele origin: germline. Not counted in ClinVar's aggregate classification.

Breast Cancer Information Core (BIC) (BRCA1)
Classification: Pathogenic for Breast-ovarian cancer, familial 1. Last evaluated: 2002-05-29. Review status: no assertion criteria provided. Collection method: clinical testing. Allele origin: germline. Affected: yes. Observed: 2 variant alleles. Not counted in ClinVar's aggregate classification.

Literature cited by the submitters: PubMed 20104584 (cited by Labcorp Genetics (formerly Invitae), Labcorp); PubMed 17148771 (cited by 4 submitters); PubMed 21324516 (cited by 4 submitters); PubMed 22430266 (cited by 3 submitters); PubMed 16267036 (cited by Women's Health and Genetics/Laboratory Corporation of America, LabCorp); PubMed 29446198 (cited by Women's Health and Genetics/Laboratory Corporation of America, LabCorp).